The following is an entry in ClinVar:

ClinVar aggregate classification (germline): Likely benign (0 of 4 stars; one submission).

Conditions:
PTPRS-related disorder. Also called: PTPRS-related condition.

Allele frequency attached by ClinVar (database versions not stated): TOPMed 0.00004; gnomAD 0.00005; 1000 Genomes Project 30x 0.00016; 1000 Genomes Project 0.00020.
gnomAD v4.1: 70 of 1,613,148 alleles (0.0043%); highest among the groups gnomAD compares: Admixed American, 0.015%; no homozygotes.

Submission:

PreventionGenetics, part of Exact Sciences
Classification: Likely benign for PTPRS-related condition. Last evaluated: 2019-04-05. Review status: no assertion criteria provided. Collection method: clinical testing. Allele origin: germline.
Comment: This variant is classified as likely benign based on ACMG/AMP sequence variant interpretation guidelines (Richards et al. 2015 PMID: 25741868, with internal and published modifications).

NM_002850.4(PTPRS):c.4392G>A (p.Thr1464=)

Gene: PTPRS (protein tyrosine phosphatase receptor type S; minus strand). Cytogenetic location: 19p13.3.
Variant type: single nucleotide variant.
Coding change: c.4392G>A on transcript NM_002850.4 (MANE Select); coding-DNA position 4392, G replaced by A.
Protein change: p.Thr1464=; no amino-acid change (threonine 1464 retained).
Molecular consequence: synonymous variant.
Genome position (GRCh38, 1-based): chr19:5,214,663, C>T on the plus strand (G>A on the coding strand, the complement: PTPRS is on the minus strand). VCF-style: chr19-5214663-C-T. GRCh37 (hg19) VCF-style: chr19-5214674-C-T.
Other names: c.4326G>A, p.Thr1442= (NM_001394011.1); c.4305G>A, p.Thr1435= (NM_001394012.1); c.4266G>A, p.Thr1422= (NM_001394013.1); c.3051G>A, p.Thr1017= (NM_130853.3); c.4278G>A, p.Thr1426= (NM_130854.3); c.3063G>A, p.Thr1021= (NM_130855.3).
Identifiers: ClinVar variation 3047791 (VCV003047791.2), dbSNP rs559581868, ClinGen allele CA9109144.
Genomic context (GRCh38, chr19:5,214,663, plus strand): 5'-CGACCGCTGCTCCCACACCATACGCCAGAAGTCCCCAAAGGTCTCAGGCAGCGGCCCCTG[C>T]GTGGCAATGTACGCGTTCTGACACCGGTAGCCGTCCACGTAGTTGGCATTGATGTAATCA-3'
Protein context (NP_002841.3, residues 1454-1474): GYRCQNAYIA[Thr1464=]QGPLPETFGD